The following is an entry in ClinVar:

NM_001080467.3(MYO5B):c.3801G>C (p.Gln1267His)

Gene: MYO5B (myosin VB; minus strand). Cytogenetic location: 18q21.1.
Variant type: single nucleotide variant.
Coding change: c.3801G>C on transcript NM_001080467.3 (MANE Select); coding-DNA position 3801, G replaced by C.
Protein change: p.Gln1267His; replaces glutamine 1267 with histidine.
Molecular consequence: missense variant.
Genome position (GRCh38, 1-based): chr18:49,864,183, C>G on the plus strand (G>C on the coding strand, the complement: MYO5B is on the minus strand). VCF-style: chr18-49864183-C-G. GRCh37 (hg19) VCF-style: chr18-47390553-C-G.
Other names: short protein forms Q1267H.
Identifiers: ClinVar variation 2975027 (VCV002975027.2), dbSNP rs2024366957, ClinGen allele CA402427475.
Genomic context (GRCh38, chr18:49,864,183, plus strand): 5'-GGGCCGCCATCTTGTTACCGCGTTCCTGCCGGCGAGTCGCCGCTGGTCGGCGCTCACGAT[C>G]TGGGTCCTGAGGATGAGCACCTCCTCCTTGCGCACCTCGAGCTCCTCGTGGGCCAGCTTG-3'
Protein context (NP_001073936.1, residues 1257-1277): RKEEVLILRT[Gln1267His]IVSADQRRLA

ClinVar aggregate classification (germline): Uncertain significance (1 of 4 stars; one submission).

Allele frequency attached by ClinVar (database versions not stated): gnomAD 0.00001.
gnomAD v4.1: 3 of 1,612,632 alleles (0.00019%); highest among the groups gnomAD compares: Admixed American, 0.0033%; no homozygotes.

Submission:

Labcorp Genetics (formerly Invitae), Labcorp
Classification: Uncertain significance. Last evaluated: 2023-06-28. Review status: criteria provided, single submitter. Criteria: Invitae Variant Classification Sherloc (09022015). Collection method: clinical testing. Allele origin: germline.
Comment: This variant is not present in population databases (gnomAD no frequency). In summary, the available evidence is currently insufficient to determine the role of this variant in disease. Therefore, it has been classified as a Variant of Uncertain Significance. Advanced modeling of protein sequence and biophysical properties (such as structural, functional, and spatial information, amino acid conservation, physicochemical variation, residue mobility, and thermodynamic stability) performed at Invitae indicates that this missense variant is not expected to disrupt MYO5B protein function. This variant has not been reported in the literature in individuals affected with MYO5B-related conditions. This sequence change replaces glutamine, which is neutral and polar, with histidine, which is basic and polar, at codon 1267 of the MYO5B protein (p.Gln1267His).